The following is an entry in ClinVar:

NM_001319074.4(RAX2):c.506T>C (p.Leu169Pro)

Gene: RAX2 (retina and anterior neural fold homeobox 2; minus strand). Cytogenetic location: 19p13.3.
Variant type: single nucleotide variant.
Coding change: c.506T>C on transcript NM_001319074.4 (MANE Select); coding-DNA position 506, T replaced by C.
Protein change: p.Leu169Pro; replaces leucine 169 with proline.
Molecular consequence: missense variant.
Genome position (GRCh38, 1-based): chr19:3,770,670, A>G on the plus strand (T>C on the coding strand, the complement: RAX2 is on the minus strand). VCF-style: chr19-3770670-A-G. GRCh37 (hg19) VCF-style: chr19-3770668-A-G.
Other names: c.506T>C, p.Leu169Pro (NM_032753.4); short protein forms L169P.
Identifiers: ClinVar variation 1008974 (VCV001008974.7), dbSNP rs1416399047, ClinGen allele CA403374071.

ClinVar aggregate classification (germline): Uncertain significance. Review status: criteria provided, multiple submitters, no conflicts (2 of 4 stars). 2 submissions from 2 submitters: Uncertain significance (2). Last evaluated 2023-04-20.

Allele frequency attached by ClinVar (database versions not stated): gnomAD exomes below 0.00001 and 0.00002; TOPMed 0.00001.
gnomAD v4.1: 1 of 1,535,496 alleles (0.000065%); highest among the groups gnomAD compares: Admixed American, 0.002%; no homozygotes.

Submissions (2):

Labcorp Genetics (formerly Invitae), Labcorp
Classification: Uncertain significance. Last evaluated: 2023-04-20. Review status: criteria provided, single submitter. Criteria: Invitae Variant Classification Sherloc (09022015). Collection method: clinical testing. Allele origin: germline.
Comment: In summary, the available evidence is currently insufficient to determine the role of this variant in disease. Therefore, it has been classified as a Variant of Uncertain Significance. Algorithms developed to predict the effect of missense changes on protein structure and function output the following: SIFT: "Not Available"; PolyPhen-2: "Possibly Damaging"; Align-GVGD: "Not Available". The proline amino acid residue is found in multiple mammalian species, which suggests that this missense change does not adversely affect protein function. ClinVar contains an entry for this variant (Variation ID: 1008974). This variant has not been reported in the literature in individuals affected with RAX2-related conditions. The frequency data for this variant in the population databases is considered unreliable, as metrics indicate poor data quality at this position in the gnomAD database. This sequence change replaces leucine, which is neutral and non-polar, with proline, which is neutral and non-polar, at codon 169 of the RAX2 protein (p.Leu169Pro).

Blueprint Genetics
Classification: Uncertain significance. Last evaluated: 2020-12-02. Review status: criteria provided, single submitter. Criteria: ACMG Guidelines, 2015. Collection method: clinical testing. Allele origin: germline.